The following is an entry in ClinVar:

NM_001042492.3(NF1):c.2002-14C>G

Gene: NF1 (neurofibromin 1; plus strand). Cytogenetic location: 17q11.2.
Variant type: single nucleotide variant.
Coding change: c.2002-14C>G on transcript NM_001042492.3 (MANE Select); 14 bases into the intron before coding-DNA position 2002, C replaced by G.
Molecular consequence: intron variant.
Genome position (GRCh38, 1-based): chr17:31,226,421, C>G. VCF-style: chr17-31226421-C-G. GRCh37 (hg19) VCF-style: chr17-29553439-C-G.
Other names: c.2002-14C>G (NM_000267.4).
Identifiers: ClinVar variation 1722342 (VCV001722342.4), dbSNP rs928979051, ClinGen allele CA2580093123.

ClinVar aggregate classification (germline): Likely pathogenic. Review status: criteria provided, multiple submitters, no conflicts (2 of 4 stars). 4 submissions from 4 submitters: Likely pathogenic (4). Last evaluated 2026-04-17.

Conditions:
Hereditary cancer-predisposing syndrome. Also called: Hereditary Cancer Syndrome; Neoplastic Syndromes, Hereditary; Hereditary neoplastic syndrome; Tumor predisposition. Identifiers: Orphanet 140162, MedGen C0027672, MeSH D009386, MONDO:0015356.
Cardiovascular phenotype. Identifiers: MedGen CN230736.
Neurofibromatosis, familial spinal (FSNF). Identifiers: Orphanet 636, MedGen C1834235, MONDO:0008078, OMIM 162210. Disease mechanism: loss of function.
Neurofibromatosis, type 1 (NF1). Also called: VON RECKLINGHAUSEN DISEASE; Neurofibromatosis, type I; NEUROFIBROMATOSIS, TYPE I, SOMATIC; Peripheral type neurofibromatosis. Identifiers: Orphanet 636, MedGen C0027831, MONDO:0018975, OMIM 162200. Disease mechanism: loss of function.
Neurofibromatosis-Noonan syndrome (NFNS). Also called: NEUROFIBROMATOSIS WITH NOONAN PHENOTYPE. Identifiers: Orphanet 638, MedGen C2931482, MONDO:0011035, OMIM 601321. Disease mechanism: loss of function.
Café-au-lait macules with pulmonary stenosis (WTSN). Also called: PULMONIC STENOSIS WITH CAFE-AU-LAIT SPOTS. Identifiers: MedGen C0553586, MONDO:0008672, OMIM 193520.
Juvenile myelomonocytic leukemia (JMML). Also called: LEUKEMIA, JUVENILE MYELOMONOCYTIC, SOMATIC. Identifiers: Orphanet 86834, MedGen C0349639, MONDO:0011908, OMIM 607785, HP:0012209.

Submissions (4):

Ambry Genetics
Classification: Likely pathogenic for Cardiovascular phenotype; Hereditary cancer-predisposing syndrome. Last evaluated: 2026-04-17. Review status: criteria provided, single submitter. Criteria: Ambry Variant Classification Scheme 2023. Collection method: clinical testing. Allele origin: germline.
Comment: The c.2002-14C>G intronic variant results from a C to G substitution 14 nucleotides upstream from coding exon 18 in the NF1 gene. In silico splice site analysis predicts that this alteration will weaken the native splice acceptor site and will result in the creation or strengthening of a novel splice acceptor site. RNA studies have demonstrated that this variant results in abnormal splicing in the set of samples tested (Ambry internal data). This variant was reported in individual(s) with features consistent with Neurofibromatosis type 1 (Ambry internal data). This variant is considered to be rare based on population cohorts in the Genome Aggregation Database (gnomAD). Based on the majority of available evidence to date, this variant is likely to be pathogenic.

Fulgent Genetics
Classification: Likely pathogenic for Neurofibromatosis, type 1; Neurofibromatosis, familial spinal; Café-au-lait macules with pulmonary stenosis; Neurofibromatosis-Noonan syndrome; Juvenile myelomonocytic leukemia. Last evaluated: 2024-03-20. Review status: criteria provided, single submitter. Criteria: ACMG Guidelines, 2015. Collection method: clinical testing. Allele origin: germline.

Women's Health and Genetics/Laboratory Corporation of America, LabCorp
Classification: Likely pathogenic for Neurofibromatosis, type 1. Last evaluated: 2022-09-11. Review status: criteria provided, single submitter. Criteria: LabCorp Variant Classification Summary - May 2015. Collection method: clinical testing. Allele origin: germline.
Comment: Variant summary: NF1 c.2002-14C>G alters a non-conserved nucleotide located close to a canonical splice site and therefore could affect mRNA splicing, leading to a significantly altered protein sequence. Several computational tools predict a significant impact on normal splicing: Three predict the variant weakens the canonical 3' splicing acceptor site. One predict the variant abolishes the canonical 3' splicing acceptor site. Two predict the variant creates an intronic 3' splicing acceptor site. At least one publication reports experimental evidence that this variant affects mRNA splicing reporting the insertion of 13bp of intronic sequence resulting from the creation of the new acceptor site consistent with the computational predictions (Spurlock_2010). The variant was absent in 248638 control chromosomes. c.2002-14C>G has been reported in the literature as a germline variant in a malignant peripheral nerve sheath tumor derived from at-least one NF1 patient in whom loss of heterozygosity (LOH) resulting from a total gene deletion on the other allele was demonstrated (example, Upadhyaya_2008 cited in Xu_2018). No clinical diagnostic laboratories have submitted clinical-significance assessments for this variant to ClinVar after 2014. Based on the evidence outlined above, the variant was classified as likely pathogenic.

Department of Pathology and Laboratory Medicine, Sinai Health System
Classification: Likely pathogenic for neurofibromatosis type 1. Review status: criteria provided, single submitter. Criteria: ACMG Guidelines, 2015. Collection method: clinical testing. Allele origin: germline.

Literature cited by the submitters: PubMed 30087692 (cited by Women's Health and Genetics/Laboratory Corporation of America, LabCorp); PubMed 20229272 (cited by Women's Health and Genetics/Laboratory Corporation of America, LabCorp); PubMed 17960768 (cited by Women's Health and Genetics/Laboratory Corporation of America, LabCorp).